The following is an entry in ClinVar:

NM_000090.4(COL3A1):c.1149+3A>G

Gene: COL3A1 (collagen type III alpha 1 chain; plus strand). Cytogenetic location: 2q32.2.
Variant type: single nucleotide variant.
Coding change: c.1149+3A>G on transcript NM_000090.4 (MANE Select); 3 bases into the intron after coding-DNA position 1149, A replaced by G.
Molecular consequence: intron variant.
Genome position (GRCh38, 1-based): chr2:188,993,462, A>G. VCF-style: chr2-188993462-A-G. GRCh37 (hg19) VCF-style: chr2-189858188-A-G.
Identifiers: ClinVar variation 1171504 (VCV001171504.8), dbSNP rs1466133249, ClinGen allele CA538441212.

ClinVar aggregate classification (germline): Uncertain significance. Review status: criteria provided, multiple submitters, no conflicts (2 of 4 stars). 3 submissions from 3 submitters: Uncertain significance (3). Last evaluated 2023-11-12.

Conditions:
Familial thoracic aortic aneurysm and aortic dissection (TAAD). Also called: Thoracic aortic aneurysms and dissections. Identifiers: Orphanet 91387, MedGen C4707243, MONDO:0019625.
Ehlers-Danlos syndrome, type 4 (EDSVASC). Also called: Ehlers-Danlos syndrome vascular type; Ehlers Danlos syndrome, ecchymotic type; Ehlers Danlos syndrome, arterial type; Ehlers Danlos syndrome, Sack-Barabas type; Ehlers-Danlos Syndrome Type IV. Identifiers: Orphanet 286, MedGen C0268338, MONDO:0017314, OMIM 130050.

Allele frequency attached by ClinVar (database versions not stated): TOPMed below 0.00001; gnomAD 0.00001; gnomAD exomes 0.00001.
gnomAD v4.1: 6 of 1,550,958 alleles (0.00039%); highest among the groups gnomAD compares: East Asian, 0.0024%; no homozygotes.

Submissions (3):

Labcorp Genetics (formerly Invitae), Labcorp
Classification: Uncertain significance for Ehlers-Danlos syndrome, type 4. Last evaluated: 2023-11-12. Review status: criteria provided, single submitter. Criteria: Invitae Variant Classification Sherloc (09022015). Collection method: clinical testing. Allele origin: germline.
Comment: This sequence change falls in intron 16 of the COL3A1 gene. It does not directly change the encoded amino acid sequence of the COL3A1 protein. It affects a nucleotide within the consensus splice site. This variant is present in population databases (no rsID available, gnomAD 0.01%). This variant has not been reported in the literature in individuals affected with COL3A1-related conditions. ClinVar contains an entry for this variant (Variation ID: 1171504). Variants that disrupt the consensus splice site are a relatively common cause of aberrant splicing (PMID: 17576681, 9536098). Algorithms developed to predict the effect of sequence changes on RNA splicing suggest that this variant is not likely to affect RNA splicing. In summary, the available evidence is currently insufficient to determine the role of this variant in disease. Therefore, it has been classified as a Variant of Uncertain Significance.

Ambry Genetics
Classification: Uncertain significance for Familial thoracic aortic aneurysm and aortic dissection. Last evaluated: 2021-12-01. Review status: criteria provided, single submitter. Criteria: Ambry Variant Classification Scheme 2023. Collection method: clinical testing. Allele origin: germline.
Comment: The c.1149+3A>G intronic alteration consists of a A to G substitution 3 nucleotides after exon 16 of the COL3A1 gene. Based on insufficient or conflicting evidence, the clinical significance of this alteration remains unclear.

Color Diagnostics, LLC DBA Color Health
Classification: Uncertain significance for Familial thoracic aortic aneurysm and aortic dissection. Last evaluated: 2020-07-27. Review status: criteria provided, single submitter. Criteria: ACMG Guidelines, 2015. Collection method: clinical testing. Allele origin: germline.
Comment: This variant causes an A to G nucleotide substitution at the +3 position of intron 16 of the COL3A1 gene. To our knowledge, functional studies have not been reported for this variant. This variant has not been reported in individuals affected with cardiovascular disorders in the literature. This variant has been identified in 1/159284 chromosomes in the general population by the Genome Aggregation Database (gnomAD). The available evidence is insufficient to determine the role of this variant in disease conclusively. Therefore, this variant is classified as a Variant of Uncertain Significance.

Literature cited by the submitters: PubMed 17576681 (cited by Labcorp Genetics (formerly Invitae), Labcorp); PubMed 9536098 (cited by Labcorp Genetics (formerly Invitae), Labcorp).